The following is an entry in ClinVar:

NM_004145.4(MYO9B):c.6088_6108del (p.Gly2030_Pro2036del)

Gene: MYO9B (myosin IXB; plus strand). Cytogenetic location: 19p13.11.
Variant type: Deletion.
Coding change: c.6088_6108del on transcript NM_004145.4 (MANE Select); coding-DNA positions 6088 to 6108, 21 bases deleted (GGCGCGCCCACCCCGAGCCCC).
Protein change: p.Gly2030_Pro2036del.
Molecular consequence: inframe deletion. On other transcripts: 3 prime UTR variant (1).
Genome position (GRCh38, 1-based): chr19:17,211,924-17,211,944, GGCGCGCCCACCCCGAGCCCC deleted; deleting any 21 consecutive bases within chr19:17,211,919-17,211,944 gives the same sequence; the c. name uses the placement nearest the transcript's 3' end. VCF-style (leftmost placement, unchanged base first): chr19-17211918-TGCCCCGGCGCGCCCACCCCGA-T. GRCh37 (hg19) VCF-style: chr19-17322727-TGCCCCGGCGCGCCCACCCCGA-T.
Other names: c.*31_*51del (NM_001130065.2).
Identifiers: ClinVar variation 3357001 (VCV003357001.1).

ClinVar aggregate classification (germline): Uncertain significance (0 of 4 stars; one submission).

Conditions:
MYO9B-related disorder. Also called: MYO9B-related condition.

Submission:

PreventionGenetics, part of Exact Sciences
Classification: Uncertain significance for MYO9B-related condition. Last evaluated: 2024-09-11. Review status: no assertion criteria provided. Collection method: clinical testing. Allele origin: germline.
Comment: The MYO9B c.6088_6108del21 variant is predicted to result in an in-frame deletion (p.Gly2030_Pro2036del). To our knowledge, this variant has not been reported in the literature or in a large population database, indicating this variant is rare. At this time, the clinical significance of this variant is uncertain due to the absence of conclusive functional and genetic evidence.